The following is an entry in ClinVar:

ClinVar aggregate classification (germline): Uncertain significance (1 of 4 stars; one submission).

Submission:

GeneDx
Classification: Uncertain significance. Last evaluated: 2024-05-30. Review status: criteria provided, single submitter. Criteria: GeneDx Variant Classification Process June 2021. Collection method: clinical testing. Allele origin: germline. Affected: yes.
Comment: Not observed at significant frequency in large population cohorts (gnomAD); In silico analysis indicates that this missense variant does not alter protein structure/function; Has not been previously published as pathogenic or benign to our knowledge

NM_001378418.1(TCF20):c.4118C>A (p.Ala1373Glu)

Gene: TCF20 (transcription factor 20; minus strand). Cytogenetic location: 22q13.2.
Variant type: single nucleotide variant.
Coding change: c.4118C>A on transcript NM_001378418.1 (MANE Select); coding-DNA position 4118, C replaced by A.
Protein change: p.Ala1373Glu; replaces alanine 1373 with glutamic acid.
Molecular consequence: missense variant.
Genome position (GRCh38, 1-based): chr22:42,211,188, G>T on the plus strand (C>A on the coding strand, the complement: TCF20 is on the minus strand). VCF-style: chr22-42211188-G-T. GRCh37 (hg19) VCF-style: chr22-42607194-G-T.
Other names: c.4118C>A, p.Ala1373Glu (NM_005650.4, NM_181492.3); short protein forms A1373E.
Identifiers: ClinVar variation 3383635 (VCV003383635.1).